The following is an entry in ClinVar:

ClinVar aggregate classification (germline): Uncertain significance (1 of 4 stars; one submission).

Conditions:
Charcot-Marie-Tooth disease axonal type 2S. Also called: CHARCOT-MARIE-TOOTH DISEASE, AXONAL, AUTOSOMAL RECESSIVE, TYPE 2S; CHARCOT-MARIE-TOOTH NEUROPATHY, TYPE 2S. Identifiers: Orphanet 443073, MedGen C4015349, MONDO:0014511, OMIM 616155.
Autosomal recessive distal spinal muscular atrophy 1. Also called: NEURONOPATHY, DISTAL HEREDITARY MOTOR, HARDING TYPE VI; NEUROPATHY, DISTAL HEREDITARY MOTOR, AUTOSOMAL RECESSIVE 1; NEURONOPATHY, SEVERE INFANTILE AXONAL, WITH RESPIRATORY FAILURE; SEVERE INFANTILE AXONAL NEUROPATHY WITH RESPIRATORY FAILURE; SPINAL MUSCULAR ATROPHY, DIAPHRAGMATIC; Spinal muscular atrophy with respiratory distress 1. Identifiers: Orphanet 98920, MedGen C1858517, MONDO:0011436, OMIM 604320.

Allele frequency attached by ClinVar (database versions not stated): gnomAD 0.00001; TOPMed 0.00001; ExAC 0.00002.
gnomAD v4.1: 15 of 1,613,404 alleles (0.00093%); highest among the groups gnomAD compares: Admixed American, 0.0033%; no homozygotes.

Submission:

Labcorp Genetics (formerly Invitae), Labcorp
Classification: Uncertain significance for Autosomal recessive distal spinal muscular atrophy 1; Charcot-Marie-Tooth disease axonal type 2S. Last evaluated: 2022-04-01. Review status: criteria provided, single submitter. Criteria: Invitae Variant Classification Sherloc (09022015). Collection method: clinical testing. Allele origin: germline.
Comment: This sequence change replaces glycine, which is neutral and non-polar, with arginine, which is basic and polar, at codon 955 of the IGHMBP2 protein (p.Gly955Arg). This variant is present in population databases (rs764208218, gnomAD 0.003%). This variant has not been reported in the literature in individuals affected with IGHMBP2-related conditions. Advanced modeling of protein sequence and biophysical properties (such as structural, functional, and spatial information, amino acid conservation, physicochemical variation, residue mobility, and thermodynamic stability) performed at Invitae indicates that this missense variant is expected to disrupt IGHMBP2 protein function. In summary, the available evidence is currently insufficient to determine the role of this variant in disease. Therefore, it has been classified as a Variant of Uncertain Significance.

NM_002180.3(IGHMBP2):c.2863G>A (p.Gly955Arg)

Gene: IGHMBP2 (immunoglobulin mu DNA binding protein 2; plus strand). Cytogenetic location: 11q13.3.
Variant type: single nucleotide variant.
Coding change: c.2863G>A on transcript NM_002180.3 (MANE Select); coding-DNA position 2863, G replaced by A.
Protein change: p.Gly955Arg; replaces glycine 955 with arginine.
Molecular consequence: missense variant.
Genome position (GRCh38, 1-based): chr11:68,939,612, G>A. VCF-style: chr11-68939612-G-A. GRCh37 (hg19) VCF-style: chr11-68707080-G-A.
Other names: short protein forms G955R.
Identifiers: ClinVar variation 2070132 (VCV002070132.1), dbSNP rs764208218, ClinGen allele CA6154045.